The following is an entry in ClinVar:

NM_003184.4(TAF2):c.3577C>T (p.Arg1193Cys)

Gene: TAF2 (TATA-box binding protein associated factor 2; minus strand). Cytogenetic location: 8q24.12.
Variant type: single nucleotide variant.
Coding change: c.3577C>T on transcript NM_003184.4 (MANE Select); coding-DNA position 3577, C replaced by T.
Protein change: p.Arg1193Cys; replaces arginine 1193 with cysteine.
Molecular consequence: missense variant.
Genome position (GRCh38, 1-based): chr8:119,731,947, G>A on the plus strand (C>T on the coding strand, the complement: TAF2 is on the minus strand). VCF-style: chr8-119731947-G-A. GRCh37 (hg19) VCF-style: chr8-120744187-G-A.
Other names: c.3577C>T (NM_003184.3); short protein forms R1193C.
Identifiers: ClinVar variation 1920213 (VCV001920213.6), dbSNP rs779836674, ClinGen allele CA4856769.

ClinVar aggregate classification (germline): Uncertain significance. Review status: criteria provided, multiple submitters, no conflicts (2 of 4 stars). 2 submissions from 2 submitters: Uncertain significance (2). Last evaluated 2024-01-09.

Conditions:
Inborn genetic diseases. Identifiers: MedGen C0950123, MeSH D030342.

Allele frequency attached by ClinVar (database versions not stated): TOPMed 0.00002; ExAC 0.00005; gnomAD 0.00001; gnomAD exomes 0.00001.
gnomAD v4.1: 19 of 1,614,028 alleles (0.0012%); highest among the groups gnomAD compares: South Asian, 0.0066%; no homozygotes.

Submissions (2):

Ambry Genetics
Classification: Uncertain significance for Inborn genetic diseases. Last evaluated: 2024-01-09. Review status: criteria provided, single submitter. Criteria: Ambry Variant Classification Scheme 2023. Collection method: clinical testing. Allele origin: germline.

Labcorp Genetics (formerly Invitae), Labcorp
Classification: Uncertain significance. Last evaluated: 2022-08-31. Review status: criteria provided, single submitter. Criteria: Invitae Variant Classification Sherloc (09022015). Collection method: clinical testing. Allele origin: germline.
Comment: This sequence change replaces arginine, which is basic and polar, with cysteine, which is neutral and slightly polar, at codon 1193 of the TAF2 protein (p.Arg1193Cys). In summary, the available evidence is currently insufficient to determine the role of this variant in disease. Therefore, it has been classified as a Variant of Uncertain Significance. Algorithms developed to predict the effect of missense changes on protein structure and function are either unavailable or do not agree on the potential impact of this missense change (SIFT: "Tolerated"; PolyPhen-2: "Possibly Damaging"; Align-GVGD: "Class C0"). This variant has not been reported in the literature in individuals affected with TAF2-related conditions. This variant is present in population databases (rs779836674, gnomAD 0.01%).